The following is an entry in ClinVar:

NM_000094.4(COL7A1):c.4153C>A (p.Pro1385Thr)

Gene: COL7A1 (collagen type VII alpha 1 chain; minus strand). Cytogenetic location: 3p21.31.
Variant type: single nucleotide variant.
Coding change: c.4153C>A on transcript NM_000094.4 (MANE Select); coding-DNA position 4153, C replaced by A.
Protein change: p.Pro1385Thr; replaces proline 1385 with threonine.
Molecular consequence: missense variant.
Genome position (GRCh38, 1-based): chr3:48,584,342, G>T on the plus strand (C>A on the coding strand, the complement: COL7A1 is on the minus strand). VCF-style: chr3-48584342-G-T. GRCh37 (hg19) VCF-style: chr3-48621775-G-T.
Other names: short protein forms P1385T.
Identifiers: ClinVar variation 1953059 (VCV001953059.5), dbSNP rs1485209356, ClinGen allele CA352695327.

ClinVar aggregate classification (germline): Uncertain significance (1 of 4 stars; one submission).

Allele frequency attached by ClinVar (database versions not stated): gnomAD 0.00001; TOPMed 0.00001.
gnomAD v4.1: 2 of 1,613,278 alleles (0.00012%); highest among the groups gnomAD compares: Admixed American, 0.0017%; no homozygotes.

Submission:

Labcorp Genetics (formerly Invitae), Labcorp
Classification: Uncertain significance. Last evaluated: 2024-09-16. Review status: criteria provided, single submitter. Criteria: Invitae Variant Classification Sherloc (09022015). Collection method: clinical testing. Allele origin: germline.
Comment: This sequence change replaces proline, which is neutral and non-polar, with threonine, which is neutral and polar, at codon 1385 of the COL7A1 protein (p.Pro1385Thr). This variant is present in population databases (no rsID available, gnomAD 0.007%). This variant has not been reported in the literature in individuals affected with COL7A1-related conditions. ClinVar contains an entry for this variant (Variation ID: 1953059). Invitae Evidence Modeling of protein sequence and biophysical properties (such as structural, functional, and spatial information, amino acid conservation, physicochemical variation, residue mobility, and thermodynamic stability) indicates that this missense variant is not expected to disrupt COL7A1 protein function with a negative predictive value of 95%. In summary, the available evidence is currently insufficient to determine the role of this variant in disease. Therefore, it has been classified as a Variant of Uncertain Significance.